The following is an entry in ClinVar:

ClinVar aggregate classification (germline): Conflicting classifications of pathogenicity. Review status: criteria provided, conflicting classifications (1 of 4 stars). 3 submissions from 3 submitters: Pathogenic (1); Likely pathogenic (1); Uncertain significance (1). Last evaluated 2025-10-06.

Conditions:
Multiple acyl-CoA dehydrogenase deficiency (MADD). Also called: Glutaric aciduria, type 2; Glutaric acidemia type II; GA 2; Glutaric Acidemia type 2; ETHYLMALONIC-ADIPICACIDURIA; GA II. Identifiers: Orphanet 26791, MedGen C0268596, MONDO:0009282, OMIM 231680.
Glutaric acidemia type 2C.

Allele frequency attached by ClinVar (database versions not stated): gnomAD 0.00001; TOPMed 0.00001; ExAC 0.00002; gnomAD exomes 0.00002.
gnomAD v4.1: 24 of 1,612,870 alleles (0.0015%); highest among the groups gnomAD compares: Admixed American, 0.0033%; no homozygotes.

Submissions (3):

Natera, Inc.
Classification: Likely pathogenic for Glutaric acidemia type 2C. Last evaluated: 2025-10-06. Review status: criteria provided, single submitter. Criteria: Natera Variant Classification Schema (03/2026). Collection method: clinical testing. Allele origin: germline.
Comment: The c.1852T>C variant in ETFDH is a stop-loss variant predicted to disrupt the normal termination codon and extend translation beyond the canonical stop site. This variant is rare in the general population with a frequency below the threshold expected for the associated phenotype(s). This variant has been observed in one or more individuals affected with the associated recessive disease, as either homozygous or compound heterozygous with a second variant (PMID: 35309592, 30193751). This variant has been identified in one or more affected individual with a phenotype highly consistent with the associated gene (PMID: 30193751). Given the available evidence, this variant is classified as Likely Pathogenic.

Baylor Genetics
Classification: Pathogenic for Multiple acyl-CoA dehydrogenase deficiency. Last evaluated: 2024-03-25. Review status: criteria provided, single submitter. Criteria: ACMG Guidelines, 2015. Collection method: clinical testing. Allele origin: unknown.

Labcorp Genetics (formerly Invitae), Labcorp
Classification: Uncertain significance for Multiple acyl-CoA dehydrogenase deficiency. Last evaluated: 2022-07-12. Review status: criteria provided, single submitter. Criteria: Invitae Variant Classification Sherloc (09022015). Collection method: clinical testing. Allele origin: germline.
Comment: This sequence change disrupts the translational stop signal of the ETFDH mRNA. It is expected to extend the length of the ETFDH protein by 13 additional amino acid residues. This variant is present in population databases (rs765742496, gnomAD 0.003%). This protein extension has been observed in individual(s) with multiple acyl-CoA dehydrogenase deficiency (PMID: 17977044, 31418342). ClinVar contains an entry for this variant (Variation ID: 1504108). Experimental studies and prediction algorithms are not available or were not evaluated, and the functional significance of this variant is currently unknown. In summary, the available evidence is currently insufficient to determine the role of this variant in disease. Therefore, it has been classified as a Variant of Uncertain Significance.

Literature cited by the submitters: PubMed 35309592 (cited by Natera, Inc.); PubMed 30193751 (cited by Natera, Inc.); PubMed 17977044 (cited by Labcorp Genetics (formerly Invitae), Labcorp); PubMed 31418342 (cited by Labcorp Genetics (formerly Invitae), Labcorp).

NM_004453.4(ETFDH):c.1852T>C (p.Ter618Gln)

Gene: ETFDH (electron transfer flavoprotein dehydrogenase; plus strand). Cytogenetic location: 4q32.1.
Variant type: single nucleotide variant.
Coding change: c.1852T>C on transcript NM_004453.4 (MANE Select); coding-DNA position 1852, T replaced by C.
Protein change: p.Ter618Gln.
Molecular consequence: stop lost.
Genome position (GRCh38, 1-based): chr4:158,708,525, T>C. VCF-style: chr4-158708525-T-C. GRCh37 (hg19) VCF-style: chr4-159629677-T-C.
Other names: *618Q; *557Q; *571Q; c.1852T>C (NM_004453.3); c.1711T>C, p.Ter571Gln (NM_001281737.2); c.1669T>C, p.Ter557Gln (NM_001281738.1).
Identifiers: ClinVar variation 1504108 (VCV001504108.6), dbSNP rs765742496, ClinGen allele CA312549.